The following is an entry in ClinVar:

ClinVar aggregate classification (germline): Benign. Review status: criteria provided, single submitter (1 of 4 stars). 2 submissions from 2 submitters: Benign (1). 1 of the submissions does not count toward it. Last evaluated 2023-01-01.

Conditions:
CNKSR1-related disorder. Also called: CNKSR1-related condition.

Allele frequency attached by ClinVar (database versions not stated): ESP Exome Variant Server 0.00015; TOPMed 0.00080; gnomAD 0.00097; gnomAD exomes 0.00130; ExAC 0.00289; 1000 Genomes Project 30x 0.00375; 1000 Genomes Project 0.00439.
gnomAD v4.1: 2,078 of 1,609,720 alleles (0.13%); highest among the groups gnomAD compares: South Asian, 1.6%; 30 homozygotes.

Submissions (6):

CeGaT Center for Human Genetics Tuebingen
Classification: Benign. Last evaluated: 2023-01-01. Review status: criteria provided, single submitter. Criteria: CeGaT Center For Human Genetics Tuebingen Variant Classification Criteria Version 2. Collection method: clinical testing. Allele origin: germline. Affected: yes. Observed: 1 variant allele.
Comment: CNKSR1: BS1, BS2

PreventionGenetics, part of Exact Sciences
Classification: Likely benign for CNKSR1-related condition. Last evaluated: 2022-12-27. Review status: no assertion criteria provided. Collection method: clinical testing. Allele origin: germline. Not counted in ClinVar's aggregate classification.
Comment: This variant is classified as likely benign based on ACMG/AMP sequence variant interpretation guidelines (Richards et al. 2015 PMID: 25741868, with internal and published modifications).

Dr. Peter K. Rogan Lab, Western University
No classification provided (evidence only). Condition: Malignant tumor of urinary bladder. Review status: no classification provided. Collection method: in vitro. Allele origin: not applicable. Functional consequence: retained intron. Not counted in ClinVar's aggregate classification.

Dr. Peter K. Rogan Lab, Western University
No classification provided (evidence only). Condition: Malignant tumor of urinary bladder. Review status: no classification provided. Collection method: in vitro. Allele origin: not applicable. Functional consequence: retained intron. Not counted in ClinVar's aggregate classification.

Dr. Peter K. Rogan Lab, Western University
No classification provided (evidence only). Condition: Colon adenocarcinoma. Review status: no classification provided. Collection method: in vitro. Allele origin: not applicable. Functional consequence: retained intron. Not counted in ClinVar's aggregate classification.

Dr. Peter K. Rogan Lab, Western University
No classification provided (evidence only). Condition: Ovarian cancer. Review status: no classification provided. Collection method: in vitro. Allele origin: not applicable. Functional consequence: retained intron. Not counted in ClinVar's aggregate classification.

NM_006314.3(CNKSR1):c.1691-2A>G

Gene: CNKSR1 (connector enhancer of kinase suppressor of Ras 1; plus strand). Cytogenetic location: 1p36.11.
Variant type: single nucleotide variant.
Coding change: c.1691-2A>G on transcript NM_006314.3 (MANE Select); the canonical splice acceptor site of the intron before coding-DNA position 1691, A replaced by G.
Molecular consequence: splice acceptor variant.
Genome position (GRCh38, 1-based): chr1:26,188,770, A>G. VCF-style: chr1-26188770-A-G. GRCh37 (hg19) VCF-style: chr1-26515261-A-G.
Other names: NC_000001.10:g.26515261A>G; c.1712-2A>G (NM_001297647.2, NM_001297647.1); c.917-2A>G (NM_001297648.2).
Identifiers: ClinVar variation 2638507 (VCV002638507.26), dbSNP rs144821580, ClinGen allele CA700909.